The following is an entry in ClinVar:

ClinVar aggregate classification (germline): Likely benign. Review status: criteria provided, multiple submitters, no conflicts (2 of 4 stars). 3 submissions from 3 submitters: Likely benign (3). Last evaluated 2025-11-24.

Conditions:
FG syndrome (FGS). Identifiers: MedGen C0220769, MONDO:0002010.
Familial thoracic aortic aneurysm and aortic dissection (TAAD). Also called: Thoracic aortic aneurysms and dissections. Identifiers: Orphanet 91387, MedGen C4707243, MONDO:0019625.

Allele frequency attached by ClinVar (database versions not stated): ExAC 0.00001; gnomAD exomes 0.00002; TOPMed 0.00002; gnomAD 0.00003 and 0.00004; ESP Exome Variant Server 0.00010.
gnomAD v4.1: 26 of 1,208,512 alleles (0.0022%); highest among the groups gnomAD compares: Admixed American, 0.011%; no homozygotes.

Submissions (3):

Ambry Genetics
Classification: Likely benign for Familial thoracic aortic aneurysm and aortic dissection. Last evaluated: 2025-11-24. Review status: criteria provided, single submitter. Criteria: Ambry Variant Classification Scheme 2023. Collection method: clinical testing. Allele origin: germline.

Labcorp Genetics (formerly Invitae), Labcorp
Classification: Likely benign for FG syndrome. Last evaluated: 2025-06-12. Review status: criteria provided, single submitter. Criteria: Invitae Variant Classification Sherloc (09022015). Collection method: clinical testing. Allele origin: germline.

CeGaT Center for Human Genetics Tuebingen
Classification: Likely benign. Last evaluated: 2022-07-01. Review status: criteria provided, single submitter. Criteria: CeGaT Center For Human Genetics Tuebingen Variant Classification Criteria Version 2. Collection method: clinical testing. Allele origin: germline. Affected: yes. Observed: 1 variant allele.
Comment: MED12: BP4, BP7

NM_005120.3(MED12):c.2136C>T (p.Pro712=)

Gene: MED12 (mediator complex subunit 12; plus strand). Cytogenetic location: Xq13.1.
Variant type: single nucleotide variant.
Coding change: c.2136C>T on transcript NM_005120.3 (MANE Select); coding-DNA position 2136, C replaced by T.
Protein change: p.Pro712=; no amino-acid change (proline 712 retained).
Molecular consequence: synonymous variant.
Genome position (GRCh38, 1-based): chrX:71,125,056, C>T. VCF-style: chrX-71125056-C-T. GRCh37 (hg19) VCF-style: chrX-70344906-C-T.
Identifiers: ClinVar variation 528487 (VCV000528487.35), dbSNP rs377207665, ClinGen allele CA10444296.